The following is an entry in ClinVar:

ClinVar aggregate classification (germline): Pathogenic (1 of 4 stars; one submission).

Conditions:
Familial cancer of breast. Also called: Hereditary breast cancer; BREAST CANCER, FAMILIAL; hereditary breast carcinoma. Identifiers: Orphanet 227535, MedGen C0346153, MONDO:0016419, OMIM 114480. Disease mechanism: loss of function.

Submission:

Myriad Genetics, Inc.
Classification: Pathogenic for Familial cancer of breast. Last evaluated: 2023-09-12. Review status: criteria provided, single submitter. Criteria: Myriad Autosomal Dominant, Autosomal Recessive and X-Linked Classification Criteria (2023). Collection method: clinical testing. Allele origin: unknown.
Comment: This variant is considered pathogenic. This variant creates a frameshift predicted to result in premature protein truncation.

NM_024675.4(PALB2):c.2382_2394delinsTC (p.Arg794fs)

Gene: PALB2 (partner and localizer of BRCA2; minus strand). Cytogenetic location: 16p12.2.
Variant type: Indel.
Coding change: c.2382_2394delinsTC on transcript NM_024675.4 (MANE Select); coding-DNA positions 2382 to 2394, GCAAGGACAACCT replaced by TC.
Protein change: p.Arg794fs; shifts the reading frame from arginine 794.
Molecular consequence: frameshift variant. On other transcripts: intron variant (1).
Genome position (GRCh38, 1-based): chr16:23,629,760-23,629,772, AGGTTGTCCTTGC replaced by GA on the plus strand (GCAAGGACAACCT replaced by TC on the coding strand, the reverse complement: PALB2 is on the minus strand). VCF-style: chr16-23629760-AGGTTGTCCTTGC-GA. GRCh37 (hg19) VCF-style: chr16-23641081-AGGTTGTCCTTGC-GA.
Other names: c.2322_2334delinsTC, p.Arg774fs (NM_001407296.1); c.2382_2394delinsTC, p.Arg794fs (NM_001407297.1, NM_001407298.1, NM_001407299.1 and 3 more transcripts); c.1497_1509delinsTC, p.Arg499fs (NM_001407304.1, NM_001407305.1, NM_001407306.1 and 5 more transcripts); c.594_606delinsTC, p.Arg198fs (NM_001407312.1, NM_001407313.1); c.49-497_49-485delinsTC (NM_001407314.1); short protein forms R198fs, R499fs, R774fs, R794fs.
Identifiers: ClinVar variation 2673857 (VCV002673857.1), dbSNP rs2506407851, ClinGen allele CA2695197470.